The following is an entry in ClinVar:

ClinVar aggregate classification (germline): Conflicting classifications of pathogenicity. Review status: criteria provided, conflicting classifications (1 of 4 stars). 3 submissions from 3 submitters: Uncertain significance (2); Benign (1). Last evaluated 2025-03-25.

Conditions:
Hereditary cancer-predisposing syndrome. Also called: Hereditary neoplastic syndrome; Neoplastic Syndromes, Hereditary; Tumor predisposition; Hereditary Cancer Syndrome. Identifiers: Orphanet 140162, MedGen C0027672, MeSH D009386, MONDO:0015356.
Tuberous sclerosis 2 (TSC2). Identifiers: Orphanet 805, MedGen C1860707, MONDO:0013199, OMIM 613254.
Isolated focal cortical dysplasia type II (FCORD2). Also called: CORTICAL DYSPLASIA OF TAYLOR; Focal cortical dysplasia type II. Identifiers: Orphanet 268994, MedGen C1846385, MONDO:0011818, OMIM 607341, HP:0032051.
Lymphangiomyomatosis (LAM). Also called: Lymphangioleiomyomatosis; Lymphangioleiomyomatosis, somatic. Identifiers: Orphanet 538, MedGen C0751674, MONDO:0011705, OMIM 606690.

Allele frequency attached by ClinVar (database versions not stated): gnomAD exomes below 0.00001 and 0.00001.
gnomAD v4.1: 5 of 1,613,080 alleles (0.00031%); highest among the groups gnomAD compares: South Asian, 0.0022%; no homozygotes.

Submissions (3):

Ambry Genetics
Classification: Uncertain significance for Hereditary cancer-predisposing syndrome. Last evaluated: 2025-03-25. Review status: criteria provided, single submitter. Criteria: Ambry Variant Classification Scheme 2023. Collection method: clinical testing. Allele origin: germline.
Comment: The p.T603A variant (also known as c.1807A>G), located in coding exon 16 of the TSC2 gene, results from an A to G substitution at nucleotide position 1807. The threonine at codon 603 is replaced by alanine, an amino acid with similar properties. This amino acid position is conserved. In addition, this alteration is predicted to be tolerated by in silico analysis. Based on the available evidence, the clinical significance of this variant remains unclear.

Labcorp Genetics (formerly Invitae), Labcorp
Classification: Benign for Tuberous sclerosis 2. Last evaluated: 2025-02-02. Review status: criteria provided, single submitter. Criteria: Invitae Variant Classification Sherloc (09022015). Collection method: clinical testing. Allele origin: germline.

Fulgent Genetics
Classification: Uncertain significance for Lymphangiomyomatosis; Isolated focal cortical dysplasia type II; Tuberous sclerosis 2. Last evaluated: 2024-03-28. Review status: criteria provided, single submitter. Criteria: ACMG Guidelines, 2015. Collection method: clinical testing. Allele origin: germline.

NM_000548.5(TSC2):c.1807A>G (p.Thr603Ala)

Gene: TSC2 (TSC complex subunit 2; plus strand). Cytogenetic location: 16p13.3.
Variant type: single nucleotide variant.
Coding change: c.1807A>G on transcript NM_000548.5 (MANE Select); coding-DNA position 1807, A replaced by G.
Protein change: p.Thr603Ala; replaces threonine 603 with alanine.
Molecular consequence: missense variant.
Genome position (GRCh38, 1-based): chr16:2,070,546, A>G. VCF-style: chr16-2070546-A-G. GRCh37 (hg19) VCF-style: chr16-2120547-A-G.
Other names: c.1807A>G, p.Thr603Ala (NM_001077183.3, NM_001114382.3, NM_001363528.2 and 3 more transcripts); c.1696A>G, p.Thr566Ala (NM_001318827.2); c.1660A>G, p.Thr554Ala (NM_001318829.2); c.1207A>G, p.Thr403Ala (NM_001318831.2); c.1840A>G, p.Thr614Ala (NM_001318832.2); short protein forms T603A, T403A, T614A, T554A, T566A.
Identifiers: ClinVar variation 467897 (VCV000467897.10), dbSNP rs876660140, ClinGen allele CA394272963.